The following is an entry in ClinVar:

NM_018975.4(TERF2IP):c.763G>A (p.Val255Met)

Gene: TERF2IP (TERF2 interacting protein; plus strand). Cytogenetic location: 16q23.1.
Variant type: single nucleotide variant.
Coding change: c.763G>A on transcript NM_018975.4 (MANE Select); coding-DNA position 763, G replaced by A.
Protein change: p.Val255Met; replaces valine 255 with methionine.
Molecular consequence: missense variant. On other transcripts: non-coding transcript variant (1).
Genome position (GRCh38, 1-based): chr16:75,654,365, G>A. VCF-style: chr16-75654365-G-A. GRCh37 (hg19) VCF-style: chr16-75688263-G-A.
Other names: c.763G>A (NM_018975.3); short protein forms V255M.
Identifiers: ClinVar variation 3012415 (VCV003012415.4), dbSNP rs2082369145, ClinGen allele CA396819253.

ClinVar aggregate classification (germline): Uncertain significance. Review status: criteria provided, multiple submitters, no conflicts (2 of 4 stars). 2 submissions from 2 submitters: Uncertain significance (2). Last evaluated 2024-01-13.

Allele frequency attached by ClinVar (database versions not stated): gnomAD exomes below 0.00001; TOPMed below 0.00001.

Submissions (2):

Labcorp Genetics (formerly Invitae), Labcorp
Classification: Uncertain significance. Last evaluated: 2024-01-13. Review status: criteria provided, single submitter. Criteria: Invitae Variant Classification Sherloc (09022015). Collection method: clinical testing. Allele origin: germline.
Comment: This sequence change replaces valine, which is neutral and non-polar, with methionine, which is neutral and non-polar, at codon 255 of the TERF2IP protein (p.Val255Met). This variant is not present in population databases (gnomAD no frequency). This variant has not been reported in the literature in individuals affected with TERF2IP-related conditions. An algorithm developed to predict the effect of missense changes on protein structure and function (PolyPhen-2) suggests that this variant is likely to be tolerated. In summary, the available evidence is currently insufficient to determine the role of this variant in disease. Therefore, it has been classified as a Variant of Uncertain Significance.

Ambry Genetics
Classification: Uncertain significance. Last evaluated: 2023-10-06. Review status: criteria provided, single submitter. Criteria: Ambry Variant Classification Scheme 2023. Collection method: clinical testing. Allele origin: germline.
Comment: The p.V255M variant (also known as c.763G>A), located in coding exon 2 of the TERF2IP gene, results from a G to A substitution at nucleotide position 763. The valine at codon 255 is replaced by methionine, an amino acid with highly similar properties. This amino acid position is conserved. In addition, this alteration is predicted to be tolerated by in silico analysis. Since supporting evidence is limited at this time, the clinical significance of this alteration remains unclear.